The following is an entry in ClinVar:

NM_000964.4(RARA):c.1181G>A (p.Arg394Gln)

Gene: RARA (retinoic acid receptor alpha; plus strand). Cytogenetic location: 17q21.2.
Variant type: single nucleotide variant.
Coding change: c.1181G>A on transcript NM_000964.4 (MANE Select); coding-DNA position 1181, G replaced by A.
Protein change: p.Arg394Gln; replaces arginine 394 with glutamine.
Molecular consequence: missense variant.
Genome position (GRCh38, 1-based): chr17:40,356,018, G>A. VCF-style: chr17-40356018-G-A. GRCh37 (hg19) VCF-style: chr17-38512270-G-A.
Other names: c.1166G>A, p.Arg389Gln (NM_001024809.4); c.1181G>A, p.Arg394Gln (NM_001145301.3); c.890G>A, p.Arg297Gln (NM_001145302.3); short protein forms R297Q, R389Q, R394Q.
Identifiers: ClinVar variation 1383696 (VCV001383696.6), dbSNP rs866777491, ClinGen allele CA399340822.

ClinVar aggregate classification (germline): Uncertain significance (1 of 4 stars; one submission).

Submission:

Labcorp Genetics (formerly Invitae), Labcorp
Classification: Uncertain significance. Last evaluated: 2021-09-30. Review status: criteria provided, single submitter. Criteria: Invitae Variant Classification Sherloc (09022015). Collection method: clinical testing. Allele origin: germline.
Comment: In summary, the available evidence is currently insufficient to determine the role of this variant in disease. Therefore, it has been classified as a Variant of Uncertain Significance. Algorithms developed to predict the effect of missense changes on protein structure and function are either unavailable or do not agree on the potential impact of this missense change (SIFT: "Deleterious"; PolyPhen-2: "Probably Damaging"; Align-GVGD: "Class C0"). This variant has not been reported in the literature in individuals affected with RARA-related conditions. This variant is not present in population databases (ExAC no frequency). This sequence change replaces arginine with glutamine at codon 394 of the RARA protein (p.Arg394Gln). The arginine residue is highly conserved and there is a small physicochemical difference between arginine and glutamine.